The following is an entry in ClinVar:

ClinVar aggregate classification (germline): Uncertain significance. Review status: criteria provided, multiple submitters, no conflicts (2 of 4 stars). 6 submissions from 6 submitters: Uncertain significance (5). 1 of the submissions does not count toward it. Last evaluated 2025-01-08.

Conditions:
Familial thoracic aortic aneurysm and aortic dissection (TAAD). Also called: Thoracic aortic aneurysms and dissections. Identifiers: Orphanet 91387, MedGen C4707243, MONDO:0019625.
Aortic aneurysm, familial thoracic 7 (AAT7). Also called: AORTIC DISSECTION, FAMILIAL, WITH OR WITHOUT AORTIC ANEURYSM. Identifiers: MedGen C3151077, MONDO:0013418, OMIM 613780.
Megacystis-microcolon-intestinal hypoperistalsis syndrome 1. Identifiers: MedGen C5542316, MONDO:0100354, OMIM 249210.
MYLK-related disorder. Also called: MYLK-related condition.

Allele frequency attached by ClinVar (database versions not stated): ExAC 0.00001; gnomAD 0.00003; TOPMed 0.00003.
gnomAD v4.1: 26 of 1,612,208 alleles (0.0016%); highest among the groups gnomAD compares: African/African-American, 0.004%; no homozygotes.

Submissions (6):

Labcorp Genetics (formerly Invitae), Labcorp
Classification: Uncertain significance for Aortic aneurysm, familial thoracic 7. Last evaluated: 2025-01-08. Review status: criteria provided, single submitter. Criteria: Invitae Variant Classification Sherloc (09022015). Collection method: clinical testing. Allele origin: germline.
Comment: This sequence change replaces arginine, which is basic and polar, with tryptophan, which is neutral and slightly polar, at codon 57 of the MYLK protein (p.Arg57Trp). This variant is present in population databases (rs776636237, gnomAD 0.008%). This variant has not been reported in the literature in individuals affected with MYLK-related conditions. ClinVar contains an entry for this variant (Variation ID: 539086). Invitae Evidence Modeling of protein sequence and biophysical properties (such as structural, functional, and spatial information, amino acid conservation, physicochemical variation, residue mobility, and thermodynamic stability) indicates that this missense variant is not expected to disrupt MYLK protein function with a negative predictive value of 95%. In summary, the available evidence is currently insufficient to determine the role of this variant in disease. Therefore, it has been classified as a Variant of Uncertain Significance.

Women's Health and Genetics/Laboratory Corporation of America, LabCorp
Classification: Uncertain significance. Last evaluated: 2023-02-20. Review status: criteria provided, single submitter. Criteria: LabCorp Variant Classification Summary - May 2015. Collection method: clinical testing. Allele origin: germline.
Comment: Variant summary: MYLK c.169C>T (p.Arg57Trp) results in a non-conservative amino acid change located in the Immunoglobulin subtype 2 (IPR003598) of the encoded protein sequence. Four of five in-silico tools predict a damaging effect of the variant on protein function. The variant allele was found at a frequency of 8.1e-06 in 246382 control chromosomes. The available data on variant occurrences in the general population are insufficient to allow any conclusion about variant significance. To our knowledge, no occurrence of c.169C>T in individuals affected with Thoracic Aortic Aneurysms And Dissections and no experimental evidence demonstrating its impact on protein function have been reported. Four clinical diagnostic laboratories have submitted clinical-significance assessments for this variant to ClinVar after 2014 without evidence for independent evaluation. All laboratories classified the variant as uncertain significance. Based on the evidence outlined above, the variant was classified as uncertain significance.

GeneDx
Classification: Uncertain significance. Last evaluated: 2022-07-26. Review status: criteria provided, single submitter. Criteria: GeneDx Variant Classification Process June 2021. Collection method: clinical testing. Allele origin: germline. Affected: yes.
Comment: Not observed at significant frequency in large population cohorts (gnomAD); In silico analysis supports that this missense variant has a deleterious effect on protein structure/function; Has not been previously published as pathogenic or benign to our knowledge

Fulgent Genetics
Classification: Uncertain significance for Megacystis-microcolon-intestinal hypoperistalsis syndrome 1; Aortic aneurysm, familial thoracic 7. Last evaluated: 2021-11-11. Review status: criteria provided, single submitter. Criteria: ACMG Guidelines, 2015. Collection method: clinical testing. Allele origin: unknown.

Ambry Genetics
Classification: Uncertain significance for Familial thoracic aortic aneurysm and aortic dissection. Last evaluated: 2019-07-15. Review status: criteria provided, single submitter. Criteria: Ambry Variant Classification Scheme 2023. Collection method: clinical testing. Allele origin: germline.
Comment: The p.R57W variant (also known as c.169C>T), located in coding exon 2 of the MYLK gene, results from a C to T substitution at nucleotide position 169. The arginine at codon 57 is replaced by tryptophan, an amino acid with dissimilar properties, and is located in the Ig-like C2-type 1 domain. This amino acid position is well conserved in available vertebrate species. In addition, the in silico prediction for this alteration is inconclusive. Since supporting evidence is limited at this time, the clinical significance of this alteration remains unclear.

PreventionGenetics, part of Exact Sciences
Classification: Uncertain significance for MYLK-related condition. Last evaluated: 2024-02-20. Review status: no assertion criteria provided. Collection method: clinical testing. Allele origin: germline. Not counted in ClinVar's aggregate classification.
Comment: The MYLK c.169C>T variant is predicted to result in the amino acid substitution p.Arg57Trp. To our knowledge, this variant has not been reported in the literature. This variant is reported in 0.0082% of alleles in individuals of African descent in gnomAD. At this time, the clinical significance of this variant is uncertain due to the absence of conclusive functional and genetic evidence.

NM_053025.4(MYLK):c.169C>T (p.Arg57Trp)

Gene: MYLK (myosin light chain kinase; minus strand). Cytogenetic location: 3q21.1.
Variant type: single nucleotide variant.
Coding change: c.169C>T on transcript NM_053025.4 (MANE Select); coding-DNA position 169, C replaced by T.
Protein change: p.Arg57Trp; replaces arginine 57 with tryptophan.
Molecular consequence: missense variant. On other transcripts: intron variant (1).
Genome position (GRCh38, 1-based): chr3:123,752,535, G>A on the plus strand (C>T on the coding strand, the complement: MYLK is on the minus strand). VCF-style: chr3-123752535-G-A. GRCh37 (hg19) VCF-style: chr3-123471382-G-A.
Other names: c.169C>T, p.Arg57Trp (NM_053028.4, NM_053026.4, NM_053027.4); c.-155-12534C>T (NM_001321309.2); short protein forms R57W.
Identifiers: ClinVar variation 539086 (VCV000539086.12), dbSNP rs776636237, ClinGen allele CA067768.